The following is an entry in ClinVar:

NM_033118.4(MYLK2):c.1288G>T (p.Ala430Ser)

Gene: MYLK2 (myosin light chain kinase 2; plus strand). Cytogenetic location: 20q11.21.
Variant type: single nucleotide variant.
Coding change: c.1288G>T on transcript NM_033118.4 (MANE Select); coding-DNA position 1288, G replaced by T.
Protein change: p.Ala430Ser; replaces alanine 430 with serine.
Molecular consequence: missense variant.
Genome position (GRCh38, 1-based): chr20:31,830,882, G>T. VCF-style: chr20-31830882-G-T. GRCh37 (hg19) VCF-style: chr20-30418685-G-T.
Other names: short protein forms A430S.
Identifiers: ClinVar variation 3647212 (VCV003647212.3).

ClinVar aggregate classification (germline): Uncertain significance. Review status: criteria provided, multiple submitters, no conflicts (2 of 4 stars). 2 submissions from 2 submitters: Uncertain significance (2). Last evaluated 2025-06-06.

Conditions:
Hypertrophic cardiomyopathy 1 (CMH1). Also called: MYH7-Related Familial Hypertrophic Cardiomyopathy; Familial hypertrophic cardiomyopathy 1. Identifiers: MedGen C3495498, MONDO:0008647, OMIM 192600.

Submissions (2):

Ambry Genetics
Classification: Uncertain significance. Last evaluated: 2025-06-06. Review status: criteria provided, single submitter. Criteria: Ambry Variant Classification Scheme 2023. Collection method: clinical testing. Allele origin: germline.

Labcorp Genetics (formerly Invitae), Labcorp
Classification: Uncertain significance for Hypertrophic cardiomyopathy 1. Last evaluated: 2024-02-21. Review status: criteria provided, single submitter. Criteria: Invitae Variant Classification Sherloc (09022015). Collection method: clinical testing. Allele origin: germline.
Comment: This sequence change replaces alanine, which is neutral and non-polar, with serine, which is neutral and polar, at codon 430 of the MYLK2 protein (p.Ala430Ser). This variant is not present in population databases (gnomAD no frequency). This variant has not been reported in the literature in individuals affected with MYLK2-related conditions. Advanced modeling of protein sequence and biophysical properties (such as structural, functional, and spatial information, amino acid conservation, physicochemical variation, residue mobility, and thermodynamic stability) performed at Invitae indicates that this missense variant is expected to disrupt MYLK2 protein function with a positive predictive value of 80%. In summary, the available evidence is currently insufficient to determine the role of this variant in disease. Therefore, it has been classified as a Variant of Uncertain Significance.